The following is an entry in ClinVar:

ClinVar aggregate classification (germline): Pathogenic. Review status: criteria provided, multiple submitters, no conflicts (2 of 4 stars). 5 submissions from 5 submitters: Pathogenic (4). 1 of the submissions does not count toward it. Last evaluated 2025-09-12.

Conditions:
Joubert syndrome 3 (JBTS3). Also called: AHI1-related Ciliopathy. Identifiers: Orphanet 220493, MedGen C1837713, MONDO:0012078, OMIM 608629.
Joubert syndrome. Also called: JOUBERT-BOLTSHAUSER SYNDROME; Familial aplasia of the vermis. Identifiers: Orphanet 475, MedGen C5979921, MONDO:0018772.

Allele frequency attached by ClinVar (database versions not stated): gnomAD exomes below 0.00001.
gnomAD v4.1: 4 of 1,613,802 alleles (0.00025%); highest among the groups gnomAD compares: East Asian, 0.0045%; no homozygotes.

Submissions (5):

Labcorp Genetics (formerly Invitae), Labcorp
Classification: Pathogenic for Joubert syndrome. Last evaluated: 2025-09-12. Review status: criteria provided, single submitter. Criteria: Invitae Variant Classification Sherloc (09022015). Collection method: clinical testing. Allele origin: germline.
Comment: This sequence change creates a premature translational stop signal (p.Arg351*) in the AHI1 gene. It is expected to result in an absent or disrupted protein product. Loss-of-function variants in AHI1 are known to be pathogenic (PMID: 15322546, 16453322, 28442542, 29186038). This variant is not present in population databases (gnomAD no frequency). This premature translational stop signal has been observed in individual(s) with Joubert syndrome (PMID: 15322546). It has also been observed to segregate with disease in related individuals. ClinVar contains an entry for this variant (Variation ID: 2010). Algorithms developed to predict the effect of sequence changes on RNA splicing suggest that this variant may disrupt the consensus splice site. For these reasons, this variant has been classified as Pathogenic.

Myriad Genetics, Inc.
Classification: Pathogenic for Joubert syndrome 3. Last evaluated: 2024-07-03. Review status: criteria provided, single submitter. Criteria: Myriad Autosomal Dominant, Autosomal Recessive and X-Linked Classification Criteria (2023). Collection method: clinical testing. Allele origin: unknown.
Comment: NM_001134831.1(AHI1):c.1051C>T(R351*) is expected to be pathogenic in the context of Joubert syndrome, AHI1-related. This variant is predicted to lead to an abnormal or absent protein product due to the creation of a premature termination codon in AHI1, a gene where loss-of-function variants are known to be pathogenic. Please note: this variant was assessed in the context of healthy population screening.

Genomic Medicine Center of Excellence, King Faisal Specialist Hospital and Research Centre
Classification: Pathogenic for Joubert syndrome 3. Last evaluated: 2024-03-14. Review status: criteria provided, single submitter. Criteria: ACMG Guidelines, 2015. Collection method: research. Allele origin: germline.

Kids Neuroscience Centre, Sydney Children's Hospitals Network
Classification: Pathogenic for Joubert syndrome 3. Review status: criteria provided, single submitter. Criteria: Bournazos AM et al. (Genet Med 2021). Collection method: provider interpretation, clinical testing. Allele origin: maternal, paternal, unknown. Inheritance: Autosomal recessive inheritance. Affected: yes and no. Observed: 1 heterozygote, 2 compound heterozygotes.
Comment: Observed in conjunction with c.2492+5G>A (induces abnormal splicing); compound heterozygous variants in AHI1 are consistent with autosomal recessive Joubert syndrome. This has also been previously reported as Pathogenic (VCV000002010)

OMIM
Classification: Pathogenic for JOUBERT SYNDROME 3. Last evaluated: 2004-09-01. Review status: no assertion criteria provided. Collection method: literature only. Allele origin: germline. Not counted in ClinVar's aggregate classification.

Literature cited by the submitters: PubMed 15322546 (cited by Labcorp Genetics (formerly Invitae), Labcorp and OMIM); PubMed 16453322 (cited by Labcorp Genetics (formerly Invitae), Labcorp); PubMed 28442542 (cited by Labcorp Genetics (formerly Invitae), Labcorp); PubMed 29186038 (cited by Labcorp Genetics (formerly Invitae), Labcorp).

NM_001134831.2(AHI1):c.1051C>T (p.Arg351Ter)

Gene: AHI1 (Abelson helper integration site 1; minus strand). Cytogenetic location: 6q23.3.
Variant type: single nucleotide variant.
Coding change: c.1051C>T on transcript NM_001134831.2 (MANE Select); coding-DNA position 1051, C replaced by T.
Protein change: p.Arg351Ter; replaces arginine 351 with a stop codon.
Molecular consequence: nonsense.
Genome position (GRCh38, 1-based): chr6:135,457,594, G>A on the plus strand (C>T on the coding strand, the complement: AHI1 is on the minus strand). VCF-style: chr6-135457594-G-A. GRCh37 (hg19) VCF-style: chr6-135778732-G-A.
Other names: c.1051C>T, p.Arg351Ter (NM_001134830.2, NM_001134832.2, NM_001350503.2 and 2 more transcripts); short protein forms R351*.
Identifiers: ClinVar variation 2010 (VCV000002010.18), dbSNP rs121434348, ClinGen allele CA252041.